The following is an entry in ClinVar:

NM_012463.4(ATP6V0A2):c.1667T>C (p.Val556Ala)

Gene: ATP6V0A2 (ATPase H+ transporting V0 subunit a2; plus strand). Cytogenetic location: 12q24.31.
Variant type: single nucleotide variant.
Coding change: c.1667T>C on transcript NM_012463.4 (MANE Select); coding-DNA position 1667, T replaced by C.
Protein change: p.Val556Ala; replaces valine 556 with alanine.
Molecular consequence: missense variant.
Genome position (GRCh38, 1-based): chr12:123,747,668, T>C. VCF-style: chr12-123747668-T-C. GRCh37 (hg19) VCF-style: chr12-124232215-T-C.
Other names: c.1667T>C (NM_012463.3); short protein forms V556A.
Identifiers: ClinVar variation 2157482 (VCV002157482.5), dbSNP rs751393183, ClinGen allele CA6862006.

ClinVar aggregate classification (germline): Uncertain significance. Review status: criteria provided, multiple submitters, no conflicts (2 of 4 stars). 2 submissions from 2 submitters: Uncertain significance (2). Last evaluated 2025-09-11.

Conditions:
Inborn genetic diseases. Identifiers: MedGen C0950123, MeSH D030342.
ALG9 congenital disorder of glycosylation (CDG1L). Also called: CONGENITAL DISORDER OF GLYCOSYLATION, TYPE Il; CDG Il; ALG9-CDG. Identifiers: Orphanet 79328, MedGen C2931006, MONDO:0012117, OMIM 608776.

Allele frequency attached by ClinVar (database versions not stated): gnomAD exomes below 0.00001; ExAC 0.00001.
gnomAD v4.1: 3 of 1,613,812 alleles (0.00019%); highest among the groups gnomAD compares: East Asian, 0.0022%; no homozygotes.

Submissions (2):

Ambry Genetics
Classification: Uncertain significance for Inborn genetic diseases. Last evaluated: 2025-09-11. Review status: criteria provided, single submitter. Criteria: Ambry Variant Classification Scheme 2023. Collection method: clinical testing. Allele origin: germline.

Labcorp Genetics (formerly Invitae), Labcorp
Classification: Uncertain significance for ALG9 congenital disorder of glycosylation. Last evaluated: 2022-03-18. Review status: criteria provided, single submitter. Criteria: Invitae Variant Classification Sherloc (09022015). Collection method: clinical testing. Allele origin: germline.
Comment: This sequence change replaces valine, which is neutral and non-polar, with alanine, which is neutral and non-polar, at codon 556 of the ATP6V0A2 protein (p.Val556Ala). This variant is present in population databases (rs751393183, gnomAD 0.006%). This variant has not been reported in the literature in individuals affected with ATP6V0A2-related conditions. Algorithms developed to predict the effect of missense changes on protein structure and function (SIFT, PolyPhen-2, Align-GVGD) all suggest that this variant is likely to be disruptive. In summary, the available evidence is currently insufficient to determine the role of this variant in disease. Therefore, it has been classified as a Variant of Uncertain Significance.